The following is an entry in ClinVar:

NM_006231.4(POLE):c.3716A>G (p.Gln1239Arg)

Gene: POLE (DNA polymerase epsilon, catalytic subunit; minus strand). Cytogenetic location: 12q24.33.
Variant type: single nucleotide variant.
Coding change: c.3716A>G on transcript NM_006231.4 (MANE Select); coding-DNA position 3716, A replaced by G.
Protein change: p.Gln1239Arg; replaces glutamine 1239 with arginine.
Molecular consequence: missense variant.
Genome position (GRCh38, 1-based): chr12:132,649,756, T>C on the plus strand (A>G on the coding strand, the complement: POLE is on the minus strand). VCF-style: chr12-132649756-T-C. GRCh37 (hg19) VCF-style: chr12-133226342-T-C.
Other names: short protein forms Q1239R.
Identifiers: ClinVar variation 420338 (VCV000420338.21), dbSNP rs146210785, ClinGen allele CA6893134.

ClinVar aggregate classification (germline): Conflicting classifications of pathogenicity. Review status: criteria provided, conflicting classifications (1 of 4 stars). 7 submissions from 7 submitters: Uncertain significance (5); Likely benign (1). 1 of the submissions does not count toward it. Last evaluated 2026-01-27.

Conditions:
Colorectal cancer, susceptibility to, 12 (CRCS12). Also called: COLORECTAL CANCER, SUSCEPTIBILITY TO, ON CHROMOSOME 12q24. Identifiers: Orphanet 220460, MedGen C3554460, MONDO:0014038, OMIM 615083.
Facial dysmorphism-immunodeficiency-livedo-short stature syndrome. Also called: Facial dysmorphism, immunodeficiency, livedo, and short stature; FILS syndrome. Identifiers: Orphanet 352712, MedGen C3554576, MONDO:0014058, OMIM 615139.
Intrauterine growth retardation, metaphyseal dysplasia, adrenal hypoplasia congenita, genital anomalies, and immunodeficiency. Also called: IMAGEI SYNDROME. Identifiers: MedGen C5193036, MONDO:0032684, OMIM 618336.
Hereditary cancer-predisposing syndrome. Also called: Hereditary neoplastic syndrome; Tumor predisposition; Neoplastic Syndromes, Hereditary; Hereditary Cancer Syndrome. Identifiers: Orphanet 140162, MedGen C0027672, MeSH D009386, MONDO:0015356.
POLE-related disorder. Also called: POLE-related condition; POLE-related disorders.

Allele frequency attached by ClinVar (database versions not stated): gnomAD exomes 0.00001 and 0.00002; ExAC 0.00002; ESP Exome Variant Server 0.00008; gnomAD 0.00014 and 0.00016; TOPMed 0.00015.
gnomAD v4.1: 41 of 1,614,082 alleles (0.0025%); highest among the groups gnomAD compares: African/African-American, 0.052%; no homozygotes.

Submissions (7):

Labcorp Genetics (formerly Invitae), Labcorp
Classification: Uncertain significance. Last evaluated: 2026-01-27. Review status: criteria provided, single submitter. Criteria: Invitae Variant Classification Sherloc (09022015). Collection method: clinical testing. Allele origin: germline.
Comment: This sequence change replaces glutamine, which is neutral and polar, with arginine, which is basic and polar, at codon 1239 of the POLE protein (p.Gln1239Arg). This variant is present in population databases (rs146210785, gnomAD 0.03%). This variant has not been reported in the literature in individuals affected with POLE-related conditions. ClinVar contains an entry for this variant (Variation ID: 420338). Invitae Evidence Modeling of protein sequence and biophysical properties (such as structural, functional, and spatial information, amino acid conservation, physicochemical variation, residue mobility, and thermodynamic stability) indicates that this missense variant is not expected to disrupt POLE protein function with a negative predictive value of 80%. In summary, the available evidence is currently insufficient to determine the role of this variant in disease. Therefore, it has been classified as a Variant of Uncertain Significance.

Ambry Genetics
Classification: Uncertain significance for Hereditary cancer-predisposing syndrome. Last evaluated: 2024-12-08. Review status: criteria provided, single submitter. Criteria: Ambry Variant Classification Scheme 2023. Collection method: clinical testing. Allele origin: germline.
Comment: The p.Q1239R variant (also known as c.3716A>G), located in coding exon 30 of the POLE gene, results from an A to G substitution at nucleotide position 3716. The glutamine at codon 1239 is replaced by arginine, an amino acid with highly similar properties. This amino acid position is highly conserved in available vertebrate species. In addition, the in silico prediction for this alteration is inconclusive. Based on the available evidence, the clinical significance of this variant remains unclear.

Fulgent Genetics
Classification: Uncertain significance for Colorectal cancer, susceptibility to, 12; Facial dysmorphism-immunodeficiency-livedo-short stature syndrome; Intrauterine growth retardation, metaphyseal dysplasia, adrenal hypoplasia congenita, genital anomalies, and immunodeficiency. Last evaluated: 2024-01-07. Review status: criteria provided, single submitter. Criteria: ACMG Guidelines, 2015. Collection method: clinical testing. Allele origin: germline.

GeneDx
Classification: Uncertain significance. Last evaluated: 2023-03-06. Review status: criteria provided, single submitter. Criteria: GeneDx Variant Classification Process June 2021. Collection method: clinical testing. Allele origin: germline. Affected: yes.
Comment: Not observed at significant frequency in large population cohorts (gnomAD); In silico analysis supports that this missense variant does not alter protein structure/function; Has not been previously published as pathogenic or benign to our knowledge; This variant is associated with the following publications: (PMID: Shah2022[Preprint])

Sema4
Classification: Likely benign for Hereditary cancer-predisposing syndrome. Last evaluated: 2021-02-23. Review status: criteria provided, single submitter. Criteria: Sema4 Curation Guidelines. Collection method: curation. Allele origin: germline.

Quest Diagnostics Nichols Institute San Juan Capistrano
Classification: Uncertain significance. Last evaluated: 2017-11-17. Review status: criteria provided, single submitter. Criteria: Quest Diagnostics criteria. Collection method: clinical testing. Allele origin: germline.

PreventionGenetics, part of Exact Sciences
Classification: Uncertain significance for POLE-related condition. Last evaluated: 2024-02-15. Review status: no assertion criteria provided. Collection method: clinical testing. Allele origin: germline. Not counted in ClinVar's aggregate classification.
Comment: The POLE c.3716A>G variant is predicted to result in the amino acid substitution p.Gln1239Arg. To our knowledge, this variant has not been reported in the literature. This variant is reported in 0.028% of alleles in individuals of African descent in gnomAD, and it has conflicting interpretations in ClinVar including likely benign and uncertain. At this time, the clinical significance of this variant is uncertain due to the absence of conclusive functional and genetic evidence.